The following is an entry in ClinVar:

NM_001868.4(CPA1):c.638T>G (p.Leu213Trp)

Gene: CPA1 (carboxypeptidase A1; plus strand). Cytogenetic location: 7q32.2.
Variant type: single nucleotide variant.
Coding change: c.638T>G on transcript NM_001868.4 (MANE Select); coding-DNA position 638, T replaced by G.
Protein change: p.Leu213Trp; replaces leucine 213 with tryptophan.
Molecular consequence: missense variant.
Genome position (GRCh38, 1-based): chr7:130,383,736, T>G. VCF-style: chr7-130383736-T-G. GRCh37 (hg19) VCF-style: chr7-130023577-T-G.
Other names: short protein forms L213W.
Identifiers: ClinVar variation 3221839 (VCV003221839.1), dbSNP rs2536008825, ClinGen allele CA369282737.

ClinVar aggregate classification (germline): Uncertain significance (1 of 4 stars; one submission).

Conditions:
Hereditary pancreatitis (PCTT). Also called: Hereditary chronic pancreatitis; PRSS1-Related Hereditary Pancreatitis. Identifiers: Orphanet 676, MedGen C0238339, MONDO:0008185, OMIM 167800.

Submission:

Ambry Genetics
Classification: Uncertain significance for Hereditary pancreatitis. Last evaluated: 2023-11-23. Review status: criteria provided, single submitter. Criteria: Ambry Variant Classification Scheme 2023. Collection method: clinical testing. Allele origin: germline.
Comment: The p.L213W variant (also known as c.638T>G), located in coding exon 6 of the CPA1 gene, results from a T to G substitution at nucleotide position 638. The leucine at codon 213 is replaced by tryptophan, an amino acid with similar properties. This amino acid position is conserved. In addition, this alteration is predicted to be tolerated by in silico analysis. Since supporting evidence is limited at this time, the clinical significance of this alteration remains unclear.